The following is an entry in ClinVar:

ClinVar aggregate classification (germline): Pathogenic (1 of 4 stars; one submission).

Conditions:
Hereditary cancer-predisposing syndrome. Also called: Neoplastic Syndromes, Hereditary; Tumor predisposition; Hereditary Cancer Syndrome; Hereditary neoplastic syndrome. Identifiers: Orphanet 140162, MedGen C0027672, MeSH D009386, MONDO:0015356.

Submission:

Ambry Genetics
Classification: Pathogenic for Hereditary cancer-predisposing syndrome. Last evaluated: 2016-07-21. Review status: criteria provided, single submitter. Criteria: Ambry Variant Classification Scheme 2023. Collection method: clinical testing. Allele origin: germline.
Comment: The c.708dupT pathogenic mutation, located in coding exon 6 of the BRIP1 gene, results from a duplication of T at nucleotide position 708, causing a translational frameshift with a predicted alternate stop codon (p.H237Sfs*25). This alteration is expected to result in loss of function by premature protein truncation or nonsense-mediated mRNA decay. As such, this alteration is interpreted as a disease-causing mutation.

NM_032043.3(BRIP1):c.708dup (p.His237fs)

Gene: BRIP1 (BRCA1 interacting DNA helicase 1; minus strand). Cytogenetic location: 17q23.2.
Variant type: Duplication.
Coding change: c.708dup on transcript NM_032043.3 (MANE Select); coding-DNA position 708, one base duplicated (T; older notation c.708dupT).
Protein change: p.His237fs; shifts the reading frame from histidine 237.
Molecular consequence: frameshift variant.
Genome position (GRCh38, 1-based): chr17:61,808,677, A duplicated on the plus strand (T on the coding strand, the reverse complement: BRIP1 is on the minus strand). VCF-style (leftmost placement, unchanged base first): chr17-61808676-G-GA. GRCh37 (hg19) VCF-style: chr17-59886037-G-GA.
Other names: c.708dupT (NM_032043.2); short protein forms H237fs.
Identifiers: ClinVar variation 481633 (VCV000481633.5), dbSNP rs1555609298, ClinGen allele CA658658680.
Genomic context (GRCh38, chr17:61,808,676, plus strand): 5'-CAATCTGCTTGTGTGTGCGTGTCCCAAAATATATTTTGGGTATCTTGGATTTCCCTGTAT[G>GA]ATCCTTCTTAATGGTATTCGATGACTCTTGACTGTTTCCTTGTTTAGTAGAACAACAGCA-3'